The following is an entry in ClinVar:

NM_000552.5(VWF):c.1729+3A>C

Gene: VWF (von Willebrand factor; minus strand). Cytogenetic location: 12p13.31.
Variant type: single nucleotide variant.
Coding change: c.1729+3A>C on transcript NM_000552.5 (MANE Select); 3 bases into the intron after coding-DNA position 1729, A replaced by C.
Molecular consequence: intron variant.
Genome position (GRCh38, 1-based): chr12:6,057,846, T>G on the plus strand (A>C on the coding strand, the complement: VWF is on the minus strand). VCF-style: chr12-6057846-T-G. GRCh37 (hg19) VCF-style: chr12-6167012-T-G.
Identifiers: ClinVar variation 1065249 (VCV001065249.3), dbSNP rs2136455692, ClinGen allele CA1139532649.

ClinVar aggregate classification (germline): Uncertain significance (0 of 4 stars; one submission).

Conditions:
von Willebrand disease type 3 (VWD3). Also called: Type 3 Von Willebrand's disease; Type 3 VWD; Von Willebrand disease, severe form; V WD3; VON WILLEBRAND DISEASE, TYPE III. Identifiers: Orphanet 166096, MedGen C1264041, MONDO:0010191, OMIM 277480.

gnomAD v4.1: 1 of 1,602,802 alleles (0.000062%); highest among the groups gnomAD compares: South Asian, 0.0011%; no homozygotes.

Submission:

Angelo Bianchi Bonomi Hemophilia and Thrombosis Center, Fondazione IRCCS Ca Granda Ospedale Maggiore Policlinico
Classification: Uncertain significance for von Willebrand disease type 3. Last evaluated: 2020-11-01. Review status: no assertion criteria provided. Collection method: clinical testing. Allele origin: germline. Affected: yes. Study: Type 3 Von Willebrand International Registries Inhibitor Prospective Study (3WINTERS-IPS).
Comment: ClinGen Pathogenicity Calculator